The following is an entry in ClinVar:

NM_002691.4(POLD1):c.2154+20G>A

Gene: POLD1 (DNA polymerase delta 1, catalytic subunit; plus strand). Cytogenetic location: 19q13.33.
Variant type: single nucleotide variant.
Coding change: c.2154+20G>A on transcript NM_002691.4 (MANE Select); 20 bases into the intron after coding-DNA position 2154, G replaced by A.
Molecular consequence: intron variant.
Genome position (GRCh38, 1-based): chr19:50,409,686, G>A. VCF-style: chr19-50409686-G-A. GRCh37 (hg19) VCF-style: chr19-50912943-G-A.
Other names: c.2232+20G>A (LRG_785t2, NM_001308632.1); c.2154+20G>A (NM_001256849.1, LRG_785t1).
Identifiers: ClinVar variation 513676 (VCV000513676.9), dbSNP rs376289049, ClinGen allele CA9596403.
Genomic context (GRCh38, chr19:50,409,686, plus strand): 5'-GCGCCCAGGTGGGCAAGTTGCCGTGCCTGGAGATCTCACAGGTGGGCACTCGGGCCCCTG[G>A]AAGGCAACTGGGGGCAGGTGGGCCCCCTGTGTAGGAGACCAGGGCTCCATGTGGGGGACC-3'

ClinVar aggregate classification (germline): Likely benign. Review status: criteria provided, multiple submitters, no conflicts (2 of 4 stars). 3 submissions from 3 submitters: Likely benign (3). Last evaluated 2026-01-24.

Conditions:
POLD1-related polyposis and colorectal cancer syndrome (CRCS10). Also called: Colorectal cancer 10; COLORECTAL CANCER, SUSCEPTIBILITY TO, ON CHROMOSOME 19q; Colorectal cancer, susceptibility to, 10. Identifiers: Orphanet 220460, MedGen C2675481, MONDO:0012953, OMIM 612591.

Allele frequency attached by ClinVar (database versions not stated): TOPMed 0.00002; ExAC 0.00003; ESP Exome Variant Server 0.00008.
gnomAD v4.1: 63 of 1,583,714 alleles (0.004%); highest among the groups gnomAD compares: Non-Finnish European, 0.0046%; no homozygotes.

Submissions (3):

Labcorp Genetics (formerly Invitae), Labcorp
Classification: Likely benign for POLD1-related polyposis and colorectal cancer syndrome. Last evaluated: 2026-01-24. Review status: criteria provided, single submitter. Criteria: Invitae Variant Classification Sherloc (09022015). Collection method: clinical testing. Allele origin: germline.

Blueprint Genetics
Classification: Likely benign. Last evaluated: 2024-07-24. Review status: criteria provided, single submitter. Criteria: ACMG Guidelines, 2015. Collection method: clinical testing. Allele origin: germline.

GeneDx
Classification: Likely benign. Last evaluated: 2017-11-20. Review status: criteria provided, single submitter. Criteria: GeneDx Variant Classification (06012015). Collection method: clinical testing. Allele origin: germline. Affected: yes.
Comment: This variant is considered likely benign or benign based on one or more of the following criteria: it is a conservative change, it occurs at a poorly conserved position in the protein, it is predicted to be benign by multiple in silico algorithms, and/or has population frequency not consistent with disease.